The following is an entry in ClinVar:

NM_024426.6(WT1):c.1016+2T>G

Gene: WT1 (WT1 transcription factor; minus strand). Cytogenetic location: 11p13.
Variant type: single nucleotide variant.
Coding change: c.1016+2T>G on transcript NM_024426.6 (MANE Select); the canonical splice donor site of the intron after coding-DNA position 1016, T replaced by G.
Molecular consequence: splice donor variant. On other transcripts: intron variant (6).
Genome position (GRCh38, 1-based): chr11:32,416,488, A>C on the plus strand (T>G on the coding strand, the complement: WT1 is on the minus strand). VCF-style: chr11-32416488-A-C. GRCh37 (hg19) VCF-style: chr11-32438034-A-C.
Other names: c.842+1089T>G (NM_001407050.1); c.893+2T>G (NM_001407047.1); c.965+1089T>G (NM_001407048.1, NM_001407049.1, NM_000378.6 and 1 more transcripts); c.1016+2T>G (NM_001407044.1, NM_001407046.1, NM_024424.5); c.254+2T>G (NM_001407051.1); c.314+1089T>G (NM_001198552.2); c.365+2T>G (NM_001198551.2).
Identifiers: ClinVar variation 1489927 (VCV001489927.17), dbSNP rs1852674417, ClinGen allele CA379961370.

ClinVar aggregate classification (germline): Likely pathogenic (1 of 4 stars; one submission).

Conditions:
Wilms tumor 1 (WT1). Also called: Wilms tumor, somatic. Identifiers: Orphanet 654, MedGen CN033288, MONDO:0008679, OMIM 194070.
11p partial monosomy syndrome (WAGR). Also called: WAGR syndrome; WAGR Complex; CHROMOSOME 11p13 DELETION SYNDROME; WAGR Spectrum Disorder. Identifiers: Orphanet 893, MedGen C0206115, MONDO:0008681, OMIM 194072.
Frasier syndrome. Identifiers: Orphanet 347, MedGen C0950122, MeSH D052159, MONDO:0007635, OMIM 136680.
Drash syndrome (DDS). Also called: WILMS TUMOR AND PSEUDO- OR TRUE HERMAPHRODITISM; NEPHROPATHY, WILMS TUMOR, AND GENITAL ANOMALIES. Identifiers: Orphanet 220, MedGen C0950121, MONDO:0008682, OMIM 194080.

Allele frequency attached by ClinVar (database versions not stated): gnomAD exomes below 0.00001.
gnomAD v4.1: 1 of 1,614,066 alleles (0.000062%); highest among the groups gnomAD compares: Non-Finnish European, 0.000085%; no homozygotes.

Submission:

Labcorp Genetics (formerly Invitae), Labcorp
Classification: Likely pathogenic for Wilms tumor 1; Drash syndrome; 11p partial monosomy syndrome; Frasier syndrome. Last evaluated: 2021-10-04. Review status: criteria provided, single submitter. Criteria: Invitae Variant Classification Sherloc (09022015). Collection method: clinical testing. Allele origin: germline.
Comment: In summary, the currently available evidence indicates that the variant is pathogenic, but additional data are needed to prove that conclusively. Therefore, this variant has been classified as Likely Pathogenic. Algorithms developed to predict the effect of sequence changes on RNA splicing suggest that this variant may disrupt the consensus splice site. This sequence change affects a donor splice site in intron 5 of the WT1 gene. It is expected to disrupt RNA splicing. Variants that disrupt the donor or acceptor splice site typically lead to a loss of protein function (PMID: 16199547), and loss-of-function variants in WT1 are known to be pathogenic (PMID: 15150775). This variant is not present in population databases (ExAC no frequency). This variant has not been reported in the literature in individuals affected with WT1-related conditions.

Literature cited by the submitters: PubMed 16199547; PubMed 15150775.